The following is an entry in ClinVar:

NM_145728.3(SYNM):c.4416C>T (p.Ile1472=)

Gene: SYNM (synemin; plus strand). Cytogenetic location: 15q26.3.
Variant type: single nucleotide variant.
Coding change: c.4416C>T on transcript NM_145728.3 (MANE Select); coding-DNA position 4416, C replaced by T.
Protein change: p.Ile1472=; no amino-acid change (isoleucine 1472 retained).
Molecular consequence: synonymous variant.
Genome position (GRCh38, 1-based): chr15:99,132,776, C>T. VCF-style: chr15-99132776-C-T. GRCh37 (hg19) VCF-style: chr15-99672981-C-T.
Other names: c.3480C>T, p.Ile1160= (NM_015286.6).
Identifiers: ClinVar variation 3030296 (VCV003030296.1), dbSNP rs78137704, ClinGen allele CA492474006.

ClinVar aggregate classification (germline): Likely benign (1 of 4 stars; one submission).

Conditions:
SYNM-related disorder. Also called: SYNM-related condition.

Submission:

PreventionGenetics, part of Exact Sciences
Classification: Likely benign for SYNM-related condition. Last evaluated: 2021-07-21. Review status: criteria provided, single submitter. Criteria: ACMG Guidelines, 2015. Collection method: clinical testing. Allele origin: germline.
Comment: This variant is classified as likely benign based on ACMG/AMP sequence variant interpretation guidelines (Richards et al. 2015 PMID: 25741868, with internal and published modifications).